The following is an entry in ClinVar:

NM_172107.4(KCNQ2):c.1248-5T>G

Gene: KCNQ2 (potassium voltage-gated channel subfamily Q member 2; minus strand). Cytogenetic location: 20q13.33.
Variant type: single nucleotide variant.
Coding change: c.1248-5T>G on transcript NM_172107.4 (MANE Select); 5 bases into the intron before coding-DNA position 1248, T replaced by G.
Molecular consequence: intron variant.
Genome position (GRCh38, 1-based): chr20:63,419,677, A>C on the plus strand (T>G on the coding strand, the complement: KCNQ2 is on the minus strand). VCF-style: chr20-63419677-A-C. GRCh37 (hg19) VCF-style: chr20-62051030-A-C.
Other names: c.1217+4500T>G (NM_004518.6); c.1247+4500T>G (NM_172108.5, NM_172106.3, NM_001382235.1).
Identifiers: ClinVar variation 3257385 (VCV003257385.17).

ClinVar aggregate classification (germline): Uncertain significance (1 of 4 stars; one submission).

gnomAD v4.1: 5 of 1,609,732 alleles (0.00031%); highest among the groups gnomAD compares: Non-Finnish European, 0.00042%; no homozygotes.

Submission:

CeGaT Center for Human Genetics Tuebingen
Classification: Uncertain significance. Last evaluated: 2024-07-01. Review status: criteria provided, single submitter. Criteria: CeGaT Center For Human Genetics Tuebingen Variant Classification Criteria Version 2. Collection method: clinical testing. Allele origin: germline. Affected: yes. Observed: 1 variant allele.
Comment: KCNQ2: PM2, BP4